The following is an entry in ClinVar:

NM_020366.4(RPGRIP1):c.2960C>T (p.Pro987Leu)

Gene: RPGRIP1 (RPGR interacting protein 1; plus strand). Cytogenetic location: 14q11.2.
Variant type: single nucleotide variant.
Coding change: c.2960C>T on transcript NM_020366.4 (MANE Select); coding-DNA position 2960, C replaced by T.
Protein change: p.Pro987Leu; replaces proline 987 with leucine.
Molecular consequence: missense variant.
Genome position (GRCh38, 1-based): chr14:21,328,488, C>T. VCF-style: chr14-21328488-C-T. GRCh37 (hg19) VCF-style: chr14-21796647-C-T.
Other names: c.938C>T, p.Pro313Leu (NM_001377950.1, NM_001377523.1); c.440C>T, p.Pro147Leu (NM_001377951.1); c.2960C>T (NM_020366.3); c.1886C>T, p.Pro629Leu (NM_001377948.1); c.1046C>T, p.Pro349Leu (NM_001377949.1); short protein forms P147L, P313L, P349L, P629L, P987L.
Identifiers: ClinVar variation 1056974 (VCV001056974.11), dbSNP rs2139250992, ClinGen allele CA388871065.
Genomic context (GRCh38, chr14:21,328,488, plus strand): 5'-AGATGGCATCTCCTGAGGTTCCCATTGAAGCTGGCCAGTATCGATCTAAGAGAAAACCTC[C>T]TCATGGGGGAGAAAGAAAGGAGAAGGAGCACCAGGTTGTGAGCTACTCAAGAAGAAAACA-3'
Protein context (NP_065099.3, residues 977-997): AGQYRSKRKP[Pro987Leu]HGGERKEKEH

ClinVar aggregate classification (germline): Uncertain significance. Review status: criteria provided, multiple submitters, no conflicts (2 of 4 stars). 2 submissions from 2 submitters: Uncertain significance (2). Last evaluated 2025-10-22.

Conditions:
Inborn genetic diseases. Identifiers: MedGen C0950123, MeSH D030342.
Leber congenital amaurosis 6 (LCA6). Identifiers: Orphanet 65, MedGen C1854260, MONDO:0013446, OMIM 613826.
Cone-rod dystrophy 13 (CORD13). Identifiers: Orphanet 1872, MedGen C2750720, MONDO:0011987, OMIM 608194.

Allele frequency attached by ClinVar (database versions not stated): gnomAD exomes 0.00001.
gnomAD v4.1: 3 of 1,613,770 alleles (0.00019%); highest among the groups gnomAD compares: South Asian, 0.0022%; no homozygotes.

Submissions (2):

Ambry Genetics
Classification: Uncertain significance for Inborn genetic diseases. Last evaluated: 2025-10-22. Review status: criteria provided, single submitter. Criteria: Ambry Variant Classification Scheme 2023. Collection method: clinical testing. Allele origin: germline.

Labcorp Genetics (formerly Invitae), Labcorp
Classification: Uncertain significance for Leber congenital amaurosis 6; Cone-rod dystrophy 13. Last evaluated: 2022-12-02. Review status: criteria provided, single submitter. Criteria: Invitae Variant Classification Sherloc (09022015). Collection method: clinical testing. Allele origin: germline.
Comment: This sequence change replaces proline, which is neutral and non-polar, with leucine, which is neutral and non-polar, at codon 987 of the RPGRIP1 protein (p.Pro987Leu). This variant is not present in population databases (gnomAD no frequency). This variant has not been reported in the literature in individuals affected with RPGRIP1-related conditions. ClinVar contains an entry for this variant (Variation ID: 1056974). Advanced modeling of protein sequence and biophysical properties (such as structural, functional, and spatial information, amino acid conservation, physicochemical variation, residue mobility, and thermodynamic stability) performed at Invitae indicates that this missense variant is not expected to disrupt RPGRIP1 protein function. In summary, the available evidence is currently insufficient to determine the role of this variant in disease. Therefore, it has been classified as a Variant of Uncertain Significance.